The following is an entry in ClinVar:

NM_001352027.3(PHF21A):c.1741C>T (p.Arg581Ter)

Gene: PHF21A (PHD finger protein 21A; minus strand). Cytogenetic location: 11p11.2.
Variant type: single nucleotide variant.
Coding change: c.1741C>T on transcript NM_001352027.3 (MANE Select); coding-DNA position 1741, C replaced by T.
Protein change: p.Arg581Ter; replaces arginine 581 with a stop codon.
Molecular consequence: nonsense. On other transcripts: non-coding transcript variant (2).
Genome position (GRCh38, 1-based): chr11:45,935,683, G>A on the plus strand (C>T on the coding strand, the complement: PHF21A is on the minus strand). VCF-style: chr11-45935683-G-A. GRCh37 (hg19) VCF-style: chr11-45957234-G-A.
Other names: c.1738C>T, p.Arg580Ter (NM_001101802.3); c.1741C>T, p.Arg581Ter (NM_001352025.3, NM_001352026.3); c.1600C>T, p.Arg534Ter (NM_001352028.1, NM_001352029.1, NM_016621.5); c.1597C>T, p.Arg533Ter (NM_001352030.3, NM_001352031.3, NM_001352032.3); short protein forms R580*, R534*, R581*, R533*.
Identifiers: ClinVar variation 620028 (VCV000620028.17), dbSNP rs1565138763, ClinGen allele CA380255099.

ClinVar aggregate classification (germline): Pathogenic/Likely pathogenic. Review status: criteria provided, multiple submitters, no conflicts (2 of 4 stars). 7 submissions from 7 submitters: Pathogenic (2); Likely pathogenic (1). 4 of the submissions do not count toward it. Last evaluated 2024-10-29.

Conditions:
Intellectual developmental disorder with behavioral abnormalities and craniofacial dysmorphism with or without seizures. Identifiers: MedGen C5231476, MONDO:0032883, OMIM 618725.
Intellectual disability. Also called: Intellectual functioning disability; Intellectual developmental disorder; intellectual disabilities. Identifiers: MedGen C3714756, MeSH D008607, MONDO:0001071, HP:0001249.

Submissions (7):

GeneDx
Classification: Pathogenic. Last evaluated: 2024-10-29. Review status: criteria provided, single submitter. Criteria: GeneDx Variant Classification Process June 2021. Collection method: clinical testing. Allele origin: germline. Affected: yes.
Comment: Nonsense variant predicted to result in protein truncation, as the last 101 amino acids are lost, and other loss-of-function variants have been reported downstream in HGMD; Not observed at significant frequency in large population cohorts (gnomAD); This variant is associated with the following publications: (PMID: 30487643, 31649809, 32530565)

Labcorp Genetics (formerly Invitae), Labcorp
Classification: Pathogenic. Last evaluated: 2022-11-12. Review status: criteria provided, single submitter. Criteria: Invitae Variant Classification Sherloc (09022015). Collection method: clinical testing. Allele origin: germline.
Comment: For these reasons, this variant has been classified as Pathogenic. ClinVar contains an entry for this variant (Variation ID: 620028). This sequence change creates a premature translational stop signal (p.Arg580*) in the PHF21A gene. It is expected to result in an absent or disrupted protein product. Loss-of-function variants in PHF21A are known to be pathogenic (PMID: 30487643). This variant is not present in population databases (gnomAD no frequency). This premature translational stop signal has been observed in individual(s) with PHF21A-related conditions (PMID: 30487643, 31649809).

Diagnostic Laboratory, Strasbourg University Hospital
Classification: Likely pathogenic for Intellectual disability. Last evaluated: 2020-04-20. Review status: criteria provided, single submitter. Criteria: ACMG Guidelines, 2015. Collection method: clinical testing. Allele origin: de novo. Inheritance: Autosomal dominant inheritance. Affected: yes. Observed: 1 heterozygote.

OMIM
Classification: Pathogenic for INTELLECTUAL DEVELOPMENTAL DISORDER WITH BEHAVIORAL ABNORMALITIES AND CRANIOFACIAL DYSMORPHISM WITH OR WITHOUT SEIZURES. Last evaluated: 2020-02-11. Review status: no assertion criteria provided. Collection method: literature only. Allele origin: germline. Not counted in ClinVar's aggregate classification.

Clinical Genetics DNA and cytogenetics Diagnostics Lab, Erasmus MC, Erasmus Medical Center
Classification: Likely pathogenic. Review status: no assertion criteria provided. Collection method: clinical testing. Allele origin: germline. Affected: yes. Study: VKGL Data-share Consensus. Not counted in ClinVar's aggregate classification.

Genome Diagnostics Laboratory, University Medical Center Utrecht
Classification: Likely pathogenic. Review status: no assertion criteria provided. Collection method: clinical testing. Allele origin: germline. Affected: yes. Study: VKGL Data-share Consensus. Not counted in ClinVar's aggregate classification.

Cytogénomique, Hospices Civils de Lyon
Classification: Uncertain significance for Intellectual disability. Last evaluated: 2017-09-08. Review status: flagged submission. Criteria: ACMG Guidelines, 2015. Collection method: clinical testing. Allele origin: de novo. Inheritance: Autosomal dominant inheritance. Affected: yes. Not counted in ClinVar's aggregate classification.
ClinVar note: Reason: Older and outlier claim with insufficient supporting evidence

Literature cited by the submitters: PubMed 30487643 (cited by Labcorp Genetics (formerly Invitae), Labcorp and OMIM); PubMed 31649809 (cited by Labcorp Genetics (formerly Invitae), Labcorp and OMIM).